The following is an entry in ClinVar:

NM_002473.6(MYH9):c.5489_5490delinsTT (p.Arg1830Leu)

Gene: MYH9 (myosin heavy chain 9; minus strand). Cytogenetic location: 22q12.3.
Variant type: Indel.
Coding change: c.5489_5490delinsTT on transcript NM_002473.6 (MANE Select); coding-DNA positions 5489 to 5490, GC replaced by TT.
Protein change: p.Arg1830Leu; replaces arginine 1830 with leucine.
Molecular consequence: missense variant.
Genome position (GRCh38, 1-based): chr22:36,284,505-36,284,506, GC replaced by AA on the plus strand (GC replaced by TT on the coding strand, the reverse complement: MYH9 is on the minus strand). VCF-style: chr22-36284505-GC-AA. GRCh37 (hg19) VCF-style: chr22-36680551-GC-AA.
Other names: short protein forms R1830L.
Identifiers: ClinVar variation 1306748 (VCV001306748.3), dbSNP rs2146327221, ClinGen allele CA2573055005.
Genomic context (GRCh38, chr22:36,284,505, plus strand): 5'-CTGCAGCAGCACATCCTTCAGCTTCTTCTCGGTCCGACGCACCTGTTTGCAGGCTGCCTG[GC>AA]GCTCCCTGCATGACAGACAAGGTGGCTCAGAGGGAACACCCTCCTTCAGAGGGTCCGGCC-3'
Protein context (NP_002464.1, residues 1820-1840): EEQLDNETKE[Arg1830Leu]QAACKQVRRT

ClinVar aggregate classification (germline): Uncertain significance (1 of 4 stars; one submission).

Submission:

GeneDx
Classification: Uncertain significance. Last evaluated: 2022-11-04. Review status: criteria provided, single submitter. Criteria: GeneDx Variant Classification Process June 2021. Collection method: clinical testing. Allele origin: germline. Affected: yes.
Comment: Not observed at significant frequency in large population cohorts (gnomAD); Has not been previously published as pathogenic or benign to our knowledge